The following is an entry in ClinVar:

ClinVar aggregate classification (germline): Likely benign. Review status: criteria provided, multiple submitters, no conflicts (2 of 4 stars). 5 submissions from 5 submitters: Likely benign (5). Last evaluated 2025-09-20.

Conditions:
Hypertrophic cardiomyopathy. Also called: HYPERTROPHIC MYOCARDIOPATHY. Identifiers: Orphanet 217569, MedGen C0007194, MeSH D002312, MONDO:0005045, HP:0001639.
Hypertrophic cardiomyopathy 11. Also called: ACTC1-Related Familial Hypertrophic Cardiomyopathy. Identifiers: MedGen C2677506, MONDO:0012799, OMIM 612098.
Atrial septal defect 5 (ASD5). Identifiers: Orphanet 1478, MedGen C2748552, MONDO:0013011, OMIM 612794.
Dilated cardiomyopathy 1R (CMD1R). Identifiers: Orphanet 154, Orphanet 54260, MedGen C3150681, MONDO:0013261, OMIM 613424.
Cardiovascular phenotype. Identifiers: MedGen CN230736.
Cardiomyopathy (CMYO). Also called: Cardiomyopathies. Identifiers: Orphanet 167848, MedGen C0878544, MONDO:0004994, HP:0001638. Inheritance: Various modes of inheritance.

Allele frequency attached by ClinVar (database versions not stated): ExAC 0.00001; gnomAD 0.00001; gnomAD exomes 0.00001; TOPMed 0.00003.
gnomAD v4.1: 12 of 1,613,386 alleles (0.00074%); highest among the groups gnomAD compares: Middle Eastern, 0.016%; no homozygotes.

Submissions (5):

Labcorp Genetics (formerly Invitae), Labcorp
Classification: Likely benign for Dilated cardiomyopathy 1R; Hypertrophic cardiomyopathy 11; Atrial septal defect 5. Last evaluated: 2025-09-20. Review status: criteria provided, single submitter. Criteria: Invitae Variant Classification Sherloc (09022015). Collection method: clinical testing. Allele origin: germline.

All of Us Research Program, National Institutes of Health
Classification: Likely benign for Hypertrophic cardiomyopathy. Last evaluated: 2023-12-13. Review status: criteria provided, single submitter. Criteria: ACMG Guidelines, 2015. Collection method: clinical testing. Allele origin: germline. Inheritance: Autosomal dominant inheritance. Observed: 3 variant alleles, 3 heterozygotes.
Comment: This study involves interpretation of variants in research participants for the purpose of population health screening. Participant phenotype was not available at the time of variant classification. Additional details can be found in publication PMID: 35346344, PMCID: PMC8962531

Ambry Genetics
Classification: Likely benign for Cardiovascular phenotype. Last evaluated: 2023-02-15. Review status: criteria provided, single submitter. Criteria: Ambry Variant Classification Scheme 2023. Collection method: clinical testing. Allele origin: germline.

Color Diagnostics, LLC DBA Color Health
Classification: Likely benign for Cardiomyopathy. Last evaluated: 2022-04-29. Review status: criteria provided, single submitter. Criteria: ACMG Guidelines, 2015. Collection method: clinical testing. Allele origin: germline.

Breakthrough Genomics
Classification: Likely benign. Review status: criteria provided, single submitter. Criteria: ACMG Guidelines, 2015. Collection method: not provided. Allele origin: germline. Inheritance: Autosomal dominant inheritance. Affected: yes.

NM_005159.5(ACTC1):c.12C>T (p.Asp4=)

Genes: ACTC1 (actin alpha cardiac muscle 1; minus strand), GJD2-DT (GJD2 divergent transcript; plus strand). Cytogenetic location: 15q14.
Variant type: single nucleotide variant.
Coding change: c.12C>T on transcript NM_005159.5 (MANE Select); coding-DNA position 12, C replaced by T.
Protein change: p.Asp4=; no amino-acid change (aspartic acid 4 retained).
Molecular consequence: synonymous variant.
Genome position (GRCh38, 1-based): chr15:34,794,797, G>A on the plus strand (C>T on the coding strand, the complement: ACTC1 is on the minus strand). VCF-style: chr15-34794797-G-A. GRCh37 (hg19) VCF-style: chr15-35086998-G-A.
Identifiers: ClinVar variation 697375 (VCV000697375.15), dbSNP rs768526036, ClinGen allele CA040964.
Genomic context (GRCh38, chr15:34,794,797, plus strand): 5'-CGCAAAGCCGGCCTTCACCAGCCCAGAGCCGTTGTCGCACACCAGGGCGGTGGTCTCCTC[G>A]TCGTCACACATCTTGGCACAGCTTCAGGGGGTTCTGCAGGTTGAGGAGGGGAGGGCGGAC-3'
Protein context (NP_005150.1, residues 1-14): MCD[Asp4=]EETTALVCDN